The following is an entry in ClinVar:

NM_020937.4(FANCM):c.2407A>G (p.Asn803Asp)

Gene: FANCM (FA complementation group M; plus strand). Cytogenetic location: 14q21.2.
Variant type: single nucleotide variant.
Coding change: c.2407A>G on transcript NM_020937.4 (MANE Select); coding-DNA position 2407, A replaced by G.
Protein change: p.Asn803Asp; replaces asparagine 803 with aspartic acid.
Molecular consequence: missense variant.
Genome position (GRCh38, 1-based): chr14:45,175,161, A>G. VCF-style: chr14-45175161-A-G. GRCh37 (hg19) VCF-style: chr14-45644364-A-G.
Other names: c.2329A>G, p.Asn777Asp (NM_001308133.2); short protein forms N777D, N803D.
Identifiers: ClinVar variation 3848689 (VCV003848689.1).

ClinVar aggregate classification (germline): Uncertain significance (1 of 4 stars; one submission).

Conditions:
Inborn genetic diseases. Identifiers: MedGen C0950123, MeSH D030342.

gnomAD v4.1: 1 of 1,611,474 alleles (0.000062%); highest among the groups gnomAD compares: East Asian, 0.0022%; no homozygotes.

Submission:

Ambry Genetics
Classification: Uncertain significance for Inborn genetic diseases. Last evaluated: 2025-02-03. Review status: criteria provided, single submitter. Criteria: Ambry Variant Classification Scheme 2023. Collection method: clinical testing. Allele origin: germline.
Comment: The p.N803D variant (also known as c.2407A>G), located in coding exon 14 of the FANCM gene, results from an A to G substitution at nucleotide position 2407. The asparagine at codon 803 is replaced by aspartic acid, an amino acid with highly similar properties. This amino acid position is conserved. In addition, this alteration is predicted to be tolerated by in silico analysis. Based on the available evidence, the clinical significance of this variant remains unclear.